The following is an entry in ClinVar:

NM_206933.4(USH2A):c.5103C>T (p.Asn1701=)

Genes: USH2A (usherin; minus strand), USH2A-AS2 (USH2A antisense RNA 2; plus strand). Cytogenetic location: 1q41.
Variant type: single nucleotide variant.
Coding change: c.5103C>T on transcript NM_206933.4 (MANE Select); coding-DNA position 5103, C replaced by T.
Protein change: p.Asn1701=; no amino-acid change (asparagine 1701 retained).
Molecular consequence: synonymous variant.
Genome position (GRCh38, 1-based): chr1:216,084,762, G>A on the plus strand (C>T on the coding strand, the complement: USH2A is on the minus strand). VCF-style: chr1-216084762-G-A. GRCh37 (hg19) VCF-style: chr1-216258104-G-A.
Other names: c.5103C>T (NM_206933.2).
Identifiers: ClinVar variation 1088115 (VCV001088115.11), dbSNP rs750028425, ClinGen allele CA1395542.

ClinVar aggregate classification (germline): Likely benign. Review status: criteria provided, multiple submitters, no conflicts (2 of 4 stars). 3 submissions from 3 submitters: Likely benign (3). Last evaluated 2026-01-05.

Conditions:
USH2A-related disorder. Also called: USH2A-related disorders; USH2A-related condition. Identifiers: MedGen CN239332.

Allele frequency attached by ClinVar (database versions not stated): gnomAD 0.00005.
gnomAD v4.1: 21 of 1,613,360 alleles (0.0013%); highest among the groups gnomAD compares: Admixed American, 0.013%; no homozygotes.

Submissions (3):

Labcorp Genetics (formerly Invitae), Labcorp
Classification: Likely benign. Last evaluated: 2026-01-05. Review status: criteria provided, single submitter. Criteria: Invitae Variant Classification Sherloc (09022015). Collection method: clinical testing. Allele origin: germline.

PreventionGenetics, part of Exact Sciences
Classification: Likely benign for USH2A-related condition. Last evaluated: 2025-09-28. Review status: criteria provided, single submitter. Criteria: ACMG Guidelines, 2015. Collection method: clinical testing. Allele origin: germline.
Comment: This variant is classified as likely benign based on ACMG/AMP sequence variant interpretation guidelines (Richards et al. 2015 PMID: 25741868, with internal and published modifications).

Blueprint Genetics
Classification: Likely benign. Last evaluated: 2022-07-13. Review status: criteria provided, single submitter. Criteria: ACMG Guidelines, 2015. Collection method: clinical testing. Allele origin: germline.